The following is an entry in ClinVar:

NM_182972.3(IRF2BP2):c.1566G>A (p.Pro522=)

Gene: IRF2BP2 (interferon regulatory factor 2 binding protein 2; minus strand). Cytogenetic location: 1q42.3.
Variant type: single nucleotide variant.
Coding change: c.1566G>A on transcript NM_182972.3 (MANE Select); coding-DNA position 1566, G replaced by A.
Protein change: p.Pro522=; no amino-acid change (proline 522 retained).
Molecular consequence: synonymous variant.
Genome position (GRCh38, 1-based): chr1:234,607,335, C>T on the plus strand (G>A on the coding strand, the complement: IRF2BP2 is on the minus strand). VCF-style: chr1-234607335-C-T. GRCh37 (hg19) VCF-style: chr1-234743081-C-T.
Other names: c.1518G>A, p.Pro506= (NM_001077397.1).
Identifiers: ClinVar variation 1664759 (VCV001664759.22), dbSNP rs144158289, ClinGen allele CA1461535.

ClinVar aggregate classification (germline): Likely benign. Review status: criteria provided, multiple submitters, no conflicts (2 of 4 stars). 3 submissions from 3 submitters: Likely benign (3). Last evaluated 2026-01-11.

Allele frequency attached by ClinVar (database versions not stated): ExAC 0.00027; gnomAD 0.00031; TOPMed 0.00036; ESP Exome Variant Server 0.00054.
gnomAD v4.1: 885 of 1,614,082 alleles (0.055%); highest among the groups gnomAD compares: Non-Finnish European, 0.073%; no homozygotes.

Submissions (3):

Labcorp Genetics (formerly Invitae), Labcorp
Classification: Likely benign. Last evaluated: 2026-01-11. Review status: criteria provided, single submitter. Criteria: Invitae Variant Classification Sherloc (09022015). Collection method: clinical testing. Allele origin: germline.

CeGaT Center for Human Genetics Tuebingen
Classification: Likely benign. Last evaluated: 2025-01-01. Review status: criteria provided, single submitter. Criteria: CeGaT Center For Human Genetics Tuebingen Variant Classification Criteria Version 2. Collection method: clinical testing. Allele origin: germline. Affected: yes. Observed: 1 variant allele.
Comment: IRF2BP2: BP4, BP7

Blueprint Genetics
Classification: Likely benign. Last evaluated: 2024-11-26. Review status: criteria provided, single submitter. Criteria: ACMG Guidelines, 2015. Collection method: clinical testing. Allele origin: germline.